The following is an entry in ClinVar:

ClinVar aggregate classification (germline): Uncertain significance (1 of 4 stars; one submission).

Conditions:
Early-infantile DEE. Also called: Early infantile epileptic encephalopathy; Ohtahara syndrome; Early infantile epileptic encephalopathy with suppression bursts. Identifiers: Orphanet 1934, MedGen C0393706, MONDO:0800491.

Submission:

Labcorp Genetics (formerly Invitae), Labcorp
Classification: Uncertain significance for Early-infantile DEE. Last evaluated: 2022-02-08. Review status: criteria provided, single submitter. Criteria: Invitae Variant Classification Sherloc (09022015). Collection method: clinical testing. Allele origin: germline.
Comment: Experimental studies and prediction algorithms are not available or were not evaluated, and the functional significance of this variant is currently unknown. In summary, the available evidence is currently insufficient to determine the role of this variant in disease. Therefore, it has been classified as a Variant of Uncertain Significance. This variant has been observed in individual(s) with clinical features of SPTAN1-related conditions (Invitae). This variant, c.844_846del, results in the deletion of 1 amino acid(s) of the SPTAN1 protein (p.Asp282del), but otherwise preserves the integrity of the reading frame. This variant is not present in population databases (gnomAD no frequency).

NM_001130438.3(SPTAN1):c.841GAT[1] (p.Asp282del)

Gene: SPTAN1 (spectrin alpha, non-erythrocytic 1; plus strand). Cytogenetic location: 9q34.11.
Variant type: Microsatellite.
Coding change: c.841GAT[1] on transcript NM_001130438.3 (MANE Select); one copy of the 3-base unit GAT starting at c.841; the reference has two copies in a row; one copy, 3 bases deleted.
Protein change: p.Asp282del; deletes aspartic acid 282.
Molecular consequence: inframe deletion.
Genome position (GRCh38, 1-based): chr9:128,577,187-128,577,189, GAT deleted; deleting any 3 consecutive bases within chr9:128,577,183-128,577,189 gives the same sequence; the position shown is the placement nearest the transcript's 3' end. VCF-style (leftmost placement, unchanged base first): chr9-128577182-CTGA-C. GRCh37 (hg19) VCF-style: chr9-131339461-CTGA-C.
Other names: c.841GAT[1], p.Asp282del (NM_001195532.2, NM_001363759.2, NM_001363765.2 and 5 more transcripts); c.877GAT[1], p.Asp294del (NM_001375312.2, NM_001375318.1); short protein forms D282del, D294del.
Identifiers: ClinVar variation 1509232 (VCV001509232.9), dbSNP rs1564211324, ClinGen allele CA918561033.